The following is an entry in ClinVar:

ClinVar aggregate classification (germline): Uncertain significance (1 of 4 stars; one submission).

Conditions:
Werner syndrome (WRN). Identifiers: Orphanet 902, MedGen C0043119, MONDO:0010196, OMIM 277700.

Submission:

Labcorp Genetics (formerly Invitae), Labcorp
Classification: Uncertain significance for Werner syndrome. Last evaluated: 2023-06-23. Review status: criteria provided, single submitter. Criteria: Invitae Variant Classification Sherloc (09022015). Collection method: clinical testing. Allele origin: germline.
Comment: In summary, the available evidence is currently insufficient to determine the role of this variant in disease. Therefore, it has been classified as a Variant of Uncertain Significance. An algorithm developed to predict the effect of missense changes on protein structure and function (PolyPhen-2) suggests that this variant is likely to be disruptive. This variant has not been reported in the literature in individuals affected with WRN-related conditions. This variant is not present in population databases (gnomAD no frequency). This sequence change replaces leucine, which is neutral and non-polar, with proline, which is neutral and non-polar, at codon 65 of the WRN protein (p.Leu65Pro).

NM_000553.6(WRN):c.194T>C (p.Leu65Pro)

Gene: WRN (WRN RecQ like helicase; plus strand). Cytogenetic location: 8p12.
Variant type: single nucleotide variant.
Coding change: c.194T>C on transcript NM_000553.6 (MANE Select); coding-DNA position 194, T replaced by C.
Protein change: p.Leu65Pro; replaces leucine 65 with proline.
Molecular consequence: missense variant.
Genome position (GRCh38, 1-based): chr8:31,059,250, T>C. VCF-style: chr8-31059250-T-C. GRCh37 (hg19) VCF-style: chr8-30916766-T-C.
Other names: short protein forms L65P.
Identifiers: ClinVar variation 2725798 (VCV002725798.3), dbSNP rs2487270105, ClinGen allele CA370912704.
Genomic context (GRCh38, chr8:31,059,250, plus strand): 5'-CCTTCTTAGAATTCACTGGATCCATTGTGTATAGTTACGATGCTAGTGATTGCTCTTTCC[T>C]GTCAGAAGATATTAGGTAAGTGATTTGAATTTCCTGATTTTATTTGAATTTGGACCCTTA-3'
Protein context (NP_000544.2, residues 55-75): YSYDASDCSF[Leu65Pro]SEDISMSLSD